The following is an entry in ClinVar:

ClinVar aggregate classification (germline): Uncertain significance. Review status: criteria provided, multiple submitters, no conflicts (2 of 4 stars). 2 submissions from 2 submitters: Uncertain significance (2). Last evaluated 2024-09-13.

Conditions:
Cardiovascular phenotype. Identifiers: MedGen CN230736.
Hypertrophic cardiomyopathy 14. Identifiers: MedGen C2750467, MONDO:0013197, OMIM 613251.
Dilated cardiomyopathy 1EE (CMD1EE). Identifiers: Orphanet 154, MedGen C2750466, MONDO:0013198, OMIM 613252.

Allele frequency attached by ClinVar (database versions not stated): TOPMed below 0.00001; gnomAD 0.00001; gnomAD exomes 0.00001; ExAC 0.00002.
gnomAD v4.1: 24 of 1,614,090 alleles (0.0015%); highest among the groups gnomAD compares: South Asian, 0.0022%; no homozygotes.

Submissions (2):

Institute of Immunology and Genetics Kaiserslautern
Classification: Uncertain significance for Hypertrophic cardiomyopathy 14; Dilated cardiomyopathy 1EE. Last evaluated: 2024-09-13. Review status: criteria provided, single submitter. Criteria: ACMG Guidelines, 2015. Collection method: clinical testing. Allele origin: germline. Affected: yes.
Comment: ACMG Criteria: PM2_P, PP3; Variant was found in heterozygous state

Ambry Genetics
Classification: Uncertain significance for Cardiovascular phenotype. Last evaluated: 2023-01-31. Review status: criteria provided, single submitter. Criteria: Ambry Variant Classification Scheme 2023. Collection method: clinical testing. Allele origin: germline.
Comment: The p.R1678W variant (also known as c.5032C>T), located in coding exon 32 of the MYH6 gene, results from a C to T substitution at nucleotide position 5032. The arginine at codon 1678 is replaced by tryptophan, an amino acid with dissimilar properties. This amino acid position is highly conserved in available vertebrate species. In addition, this alteration is predicted to be deleterious by in silico analysis. Since supporting evidence is limited at this time, the clinical significance of this alteration remains unclear.

NM_002471.4(MYH6):c.5032C>T (p.Arg1678Trp)

Genes: MYH6 (myosin heavy chain 6; minus strand), LOC126861896 (BRD4-independent group 4 enhancer GRCh37_chr14:23854904-23856103; plus strand). Cytogenetic location: 14q11.2.
Variant type: single nucleotide variant.
Coding change: c.5032C>T on transcript NM_002471.4 (MANE Select); coding-DNA position 5032, C replaced by T.
Protein change: p.Arg1678Trp; replaces arginine 1678 with tryptophan.
Molecular consequence: missense variant.
Genome position (GRCh38, 1-based): chr14:23,386,059, G>A on the plus strand (C>T on the coding strand, the complement: MYH6 is on the minus strand). VCF-style: chr14-23386059-G-A. GRCh37 (hg19) VCF-style: chr14-23855268-G-A.
Other names: short protein forms R1678W.
Identifiers: ClinVar variation 2447210 (VCV002447210.3), dbSNP rs765536879, ClinGen allele CA7114564.